The following is an entry in ClinVar:

NM_001080414.4(CCDC88C):c.4475del (p.Pro1492fs)

Gene: CCDC88C (coiled-coil and HOOK domain protein 88C; minus strand). Cytogenetic location: 14q32.11.
Variant type: Deletion.
Coding change: c.4475del on transcript NM_001080414.4 (MANE Select); coding-DNA position 4475, one base deleted (C; older notation c.4475delC).
Protein change: p.Pro1492fs; shifts the reading frame from proline 1492.
Molecular consequence: frameshift variant. On other transcripts: non-coding transcript variant (2).
Genome position (GRCh38, 1-based): chr14:91,283,484, G deleted on the plus strand (C on the coding strand, the reverse complement: CCDC88C is on the minus strand); the first of 4 consecutive G bases (chr14:91,283,484-91,283,487); deleting any one gives the same sequence. VCF-style (leftmost placement, unchanged base first): chr14-91283483-TG-T. GRCh37 (hg19) VCF-style: chr14-91749827-TG-T.
Other names: short protein forms P1492fs.
Identifiers: ClinVar variation 5015981 (VCV005015981.1).
Genomic context (GRCh38, chr14:91,283,483, plus strand): 5'-GGGCCAGGACCTCATGGCCAGATCGGTGGAGGCATCTGTGCGGTCAAGGCTGCCTCTGTG[TG>T]GGGAGCCTCGCTTTGGTTTTAGATCCCCAGGGCCTGAGGCAGAAGAGGACATTGAGAAAT-3'

ClinVar aggregate classification (germline): Pathogenic (1 of 4 stars; one submission).

Conditions:
Hydrocephalus, nonsyndromic, autosomal recessive 1 (HYC1). Also called: Hydrocephalus, nonsyndromic, autosomal recessive; Congenital hydrocephalus 1. Identifiers: Orphanet 2185, MedGen C3887608, MONDO:0009360, OMIM 236600.

Submission:

Myriad Genetics, Inc.
Classification: Pathogenic for Hydrocephalus, nonsyndromic, autosomal recessive 1. Last evaluated: 2026-05-30. Review status: criteria provided, single submitter. Criteria: Myriad Autosomal Dominant, Autosomal Recessive and X-Linked Classification Criteria (2023). Collection method: clinical testing. Allele origin: unknown.
Comment: NM_001080414.3(CCDC88C):c.4475delC(P1492Hfs*17) is expected to be pathogenic in the context of congenital hydrocephalus, CCDC88C-related. This variant is predicted to lead to an abnormal or absent protein product due to the creation of a premature termination codon in CCDC88C, a gene where loss-of-function variants are known to be pathogenic. Please note: this variant was assessed in the context of healthy population screening.